The following is an entry in ClinVar:

ClinVar aggregate classification (germline): Conflicting classifications of pathogenicity. Review status: criteria provided, conflicting classifications (1 of 4 stars). 2 submissions from 2 submitters: Pathogenic (1); Uncertain significance (1). Last evaluated 2025-09-08.

Conditions:
Hereditary cancer-predisposing syndrome. Also called: Tumor predisposition; Hereditary neoplastic syndrome; Hereditary Cancer Syndrome; Neoplastic Syndromes, Hereditary. Identifiers: Orphanet 140162, MedGen C0027672, MeSH D009386, MONDO:0015356.

Submissions (2):

Ambry Genetics
Classification: Uncertain significance for Hereditary cancer-predisposing syndrome. Last evaluated: 2025-09-08. Review status: criteria provided, single submitter. Criteria: Ambry Variant Classification Scheme 2023. Collection method: clinical testing. Allele origin: germline.
Comment: The p.W1236* variant (also known as c.3708G>A), located in coding exon 30 of the POLE gene, results from a G to A substitution at nucleotide position 3708. This changes the amino acid from a tryptophan to a stop codon within coding exon 30. This alteration is expected to result in loss of function by premature protein truncation or nonsense-mediated mRNA decay. Although biallelic loss of function of POLE has been associated with autosomal recessive POLE deficiency, haploinsufficiency of POLE has not been established as a mechanism of disease for POLE-related polymerase proofreading-associated polyposis (PPAP) and POLE-related CMMRD-like syndrome. Based on the supporting evidence, this variant is expected to be causative of POLE deficiency when present along with a second pathogenic variant on the other allele; however, its clinical significance for PPAP and POLE-related CMMRD-like syndrome is unclear.

Labcorp Genetics (formerly Invitae), Labcorp
Classification: Pathogenic. Last evaluated: 2024-02-14. Review status: criteria provided, single submitter. Criteria: Invitae Variant Classification Sherloc (09022015). Collection method: clinical testing. Allele origin: germline.
Comment: This sequence change creates a premature translational stop signal (p.Trp1236*) in the POLE gene. It is expected to result in an absent or disrupted protein product. Loss-of-function variants in POLE are known to be pathogenic (PMID: 23230001, 25948378, 30503519). This variant is not present in population databases (gnomAD no frequency). This variant has not been reported in the literature in individuals affected with POLE-related conditions. For these reasons, this variant has been classified as Pathogenic.

Literature cited by the submitters: PubMed 23230001 (cited by Labcorp Genetics (formerly Invitae), Labcorp); PubMed 25948378 (cited by Labcorp Genetics (formerly Invitae), Labcorp); PubMed 30503519 (cited by Labcorp Genetics (formerly Invitae), Labcorp).

NM_006231.4(POLE):c.3708G>A (p.Trp1236Ter)

Gene: POLE (DNA polymerase epsilon, catalytic subunit; minus strand). Cytogenetic location: 12q24.33.
Variant type: single nucleotide variant.
Coding change: c.3708G>A on transcript NM_006231.4 (MANE Select); coding-DNA position 3708, G replaced by A.
Protein change: p.Trp1236Ter; replaces tryptophan 1236 with a stop codon.
Molecular consequence: nonsense.
Genome position (GRCh38, 1-based): chr12:132,649,764, C>T on the plus strand (G>A on the coding strand, the complement: POLE is on the minus strand). VCF-style: chr12-132649764-C-T. GRCh37 (hg19) VCF-style: chr12-133226350-C-T.
Other names: c.3708G>A (NM_006231.2); short protein forms W1236*.
Identifiers: ClinVar variation 2990425 (VCV002990425.4), dbSNP rs2042379484, ClinGen allele CA387386459.